The following is an entry in ClinVar:

ClinVar aggregate classification (germline): Conflicting classifications of pathogenicity. Review status: criteria provided, conflicting classifications (1 of 4 stars). 5 submissions from 5 submitters: Uncertain significance (1); Likely benign (4). Last evaluated 2026-06-01.

Conditions:
Inborn genetic diseases. Identifiers: MedGen C0950123, MeSH D030342.

Allele frequency attached by ClinVar (database versions not stated): ESP Exome Variant Server 0.00008; gnomAD 0.00014 and 0.00015; TOPMed 0.00014.
gnomAD v4.1: 347 of 1,608,186 alleles (0.022%); highest among the groups gnomAD compares: Non-Finnish European, 0.028%; no homozygotes.

Submissions (5):

CeGaT Center for Human Genetics Tuebingen
Classification: Likely benign. Last evaluated: 2026-06-01. Review status: criteria provided, single submitter. Criteria: CeGaT Center For Human Genetics Tuebingen Variant Classification Criteria Version 2. Collection method: clinical testing. Allele origin: germline. Affected: yes. Observed: 4 variant alleles.
Comment: COL4A1: PM5, BS2

Labcorp Genetics (formerly Invitae), Labcorp
Classification: Likely benign. Last evaluated: 2025-12-15. Review status: criteria provided, single submitter. Criteria: Invitae Variant Classification Sherloc (09022015). Collection method: clinical testing. Allele origin: germline.

GeneDx
Classification: Uncertain significance. Last evaluated: 2025-09-09. Review status: criteria provided, single submitter. Criteria: GeneDx Variant Classification Process June 2021. Collection method: clinical testing. Allele origin: germline. Affected: yes.
Comment: Reported in a patient with congenital cataracts, focal epilepsy, white matter abnormalities on MRI and brain calcification on CT; however, this patient also harbored a de novo splice site variant and the p.(R1238C) variant was inherited from a father with Raynaud's phenomenon and a normal MRI (PMID: 25706114); Reported in a family referred for whole exome sequencing due to a history of strabismus; however, this family also harbored a variant in the FBN2 gene; detailed clinical information was not provided (PMID: 33435129); In silico analysis supports that this missense variant has a deleterious effect on protein structure/function; Occurs in the triple helical domain at the Y position in the canonical Gly-X-Y repeat; although this variant may have an effect on normal protein folding and function, missense substitution at the Y position is not a common mechanism of disease; This variant is associated with the following publications: (PMID: 30837194, 35699195, 33435129, 25706114)

Blueprint Genetics
Classification: Likely benign. Last evaluated: 2024-11-18. Review status: criteria provided, single submitter. Criteria: ACMG Guidelines, 2015. Collection method: clinical testing. Allele origin: germline.

Ambry Genetics
Classification: Likely benign for Inborn genetic diseases. Last evaluated: 2021-10-09. Review status: criteria provided, single submitter. Criteria: Ambry Variant Classification Scheme 2023. Collection method: clinical testing. Allele origin: germline.

NM_001845.6(COL4A1):c.3712C>T (p.Arg1238Cys)

Gene: COL4A1 (collagen type IV alpha 1 chain; minus strand). Cytogenetic location: 13q34.
Variant type: single nucleotide variant.
Coding change: c.3712C>T on transcript NM_001845.6 (MANE Select); coding-DNA position 3712, C replaced by T.
Protein change: p.Arg1238Cys; replaces arginine 1238 with cysteine.
Molecular consequence: missense variant.
Genome position (GRCh38, 1-based): chr13:110,170,577, G>A on the plus strand (C>T on the coding strand, the complement: COL4A1 is on the minus strand). VCF-style: chr13-110170577-G-A. GRCh37 (hg19) VCF-style: chr13-110822924-G-A.
Other names: short protein forms R1238C.
Identifiers: ClinVar variation 1013039 (VCV001013039.49), dbSNP rs148801165, ClinGen allele CA7047170.
Genomic context (GRCh38, chr13:110,170,577, plus strand): 5'-CAGCCCTGGCCCCTGGCGAGATGCCCTTACCTGGCAGGCCAGGCTGGCCCTGAGGTCCGC[G>A]GTCTCCTTTGGGCCCCTCCGTGGCATGGCCTGGGGATCCCGGTAACCCCGGCTGTCCCTG-3'
Protein context (NP_001836.3, residues 1228-1248): GHATEGPKGD[Arg1238Cys]GPQGQPGLPG